The following is an entry in ClinVar:

ClinVar aggregate classification (germline): Uncertain significance (1 of 4 stars; one submission).

Submission:

GeneDx
Classification: Uncertain significance. Last evaluated: 2023-10-04. Review status: criteria provided, single submitter. Criteria: GeneDx Variant Classification Process June 2021. Collection method: clinical testing. Allele origin: germline. Affected: yes.
Comment: Not observed at significant frequency in large population cohorts (gnomAD); In silico analysis supports that this missense variant has a deleterious effect on protein structure/function; Has not been previously published as pathogenic or benign to our knowledge

NM_198253.3(TERT):c.59A>G (p.Glu20Gly)

Genes: TERT (telomerase reverse transcriptase; minus strand), LOC110806263 (TERT 5' regulatory region; plus strand). Cytogenetic location: 5p15.33.
Variant type: single nucleotide variant.
Coding change: c.59A>G on transcript NM_198253.3 (MANE Select); coding-DNA position 59, A replaced by G.
Protein change: p.Glu20Gly; replaces glutamic acid 20 with glycine.
Molecular consequence: missense variant. On other transcripts: non-coding transcript variant (2).
Genome position (GRCh38, 1-based): chr5:1,294,931, T>C on the plus strand (A>G on the coding strand, the complement: TERT is on the minus strand). VCF-style: chr5-1294931-T-C. GRCh37 (hg19) VCF-style: chr5-1295046-T-C.
Other names: c.59A>G, p.Glu20Gly (NM_001193376.3); short protein forms E20G.
Identifiers: ClinVar variation 3252644 (VCV003252644.1), dbSNP rs2126692581.